The following is an entry in ClinVar:

NM_000179.3(MSH6):c.2684_2685del (p.Thr895fs)

Gene: MSH6 (mutS homolog 6; plus strand). Cytogenetic location: 2p16.3.
Variant type: Deletion.
Coding change: c.2684_2685del on transcript NM_000179.3 (MANE Select); coding-DNA positions 2684 to 2685, 2 bases deleted (CA; older notation c.2684_2685delCA).
Protein change: p.Thr895fs; shifts the reading frame from threonine 895.
Molecular consequence: frameshift variant. On other transcripts: non-coding transcript variant (5), intron variant (2).
Genome position (GRCh38, 1-based): chr2:47,800,667-47,800,668, CA deleted; deleting any 2 consecutive bases within chr2:47,800,666-47,800,668 gives the same sequence; the c. name uses the placement nearest the transcript's 3' end. VCF-style (leftmost placement, unchanged base first): chr2-47800665-GAC-G. GRCh37 (hg19) VCF-style: chr2-48027804-GAC-G.
Other names: c.2294_2295del, p.Thr765fs (NM_001281492.2); c.1778_1779del, p.Thr593fs (NM_001281493.2, NM_001281494.2, NM_001406811.1 and 6 more transcripts); c.2780_2781del, p.Thr927fs (NM_001406795.1, NM_001406802.1); c.2684_2685del, p.Thr895fs (NM_001406796.1, NM_001406798.1, NM_001406800.1 and 2 more transcripts); c.2387_2388del, p.Thr796fs (NM_001406797.1, NM_001406801.1, NM_001406805.1 and 10 more transcripts); c.2159_2160del, p.Thr720fs (NM_001406799.1, NM_001406806.1, NM_001406807.1); c.2606_2607del, p.Thr869fs (NM_001406804.1); c.2690_2691del, p.Thr897fs (NM_001406813.1); and 4 more; short protein forms T897fs, T210fs, T839fs, T869fs, T593fs, T720fs, T796fs, T895fs.
Identifiers: ClinVar variation 4294491 (VCV004294491.1).

ClinVar aggregate classification (germline): Likely pathogenic (1 of 4 stars; one submission).

Conditions:
Lynch syndrome 5 (LYNCH5). Also called: Hereditary non-polyposis colorectal cancer, type 5; Colorectal cancer, hereditary nonpolyposis, type 5. Identifiers: Orphanet 144, MedGen C1833477, MONDO:0013710, OMIM 614350. Disease mechanism: loss of function.

Submission:

Molecular Genetics Department, Kulakov National Medical Research Center for Obstetrics, Gynecology and Perinatology
Classification: Likely pathogenic for Lynch syndrome 5. Review status: criteria provided, single submitter. Criteria: ACMG Guidelines, 2015. Collection method: clinical testing. Allele origin: germline. Affected: yes. Observed: 1 variant allele.
Comment: A previously undescribed heterozygous nucleotide variant creates a frameshift p.Thr895LysfsTer4 in the MSH6 gene. Heterozygous variants are reported in patients with Lynch syndrome 5, 614350. The variant is not present in population database (gnomAD no frequency). In summary, the currently available evidence indicates that the variant is pathogenic, but additional data are needed to prove that conclusively. Therefore, this variant has been classified as likely pathogenic.